The following is an entry in ClinVar:

NM_001040716.2(PC):c.1704G>A (p.Thr568=)

Gene: PC (pyruvate carboxylase; minus strand). Cytogenetic location: 11q13.2.
Variant type: single nucleotide variant.
Coding change: c.1704G>A on transcript NM_001040716.2 (MANE Select); coding-DNA position 1704, G replaced by A.
Protein change: p.Thr568=; no amino-acid change (threonine 568 retained).
Molecular consequence: synonymous variant.
Genome position (GRCh38, 1-based): chr11:66,852,560, C>T on the plus strand (G>A on the coding strand, the complement: PC is on the minus strand). VCF-style: chr11-66852560-C-T. GRCh37 (hg19) VCF-style: chr11-66620031-C-T.
Other names: c.1704G>A, p.Thr568= (NM_000920.4, NM_022172.3); c.1704G>A (NM_001040716.1).
Identifiers: ClinVar variation 754159 (VCV000754159.14), dbSNP rs549934922, ClinGen allele CA6131287.
Genomic context (GRCh38, chr11:66,852,560, plus strand): 5'-TTTGAGATCGTGGGTGCGCACACGAGTGGCCAGCAGTGACTGGTGGGCGTCCCTGAAGGT[C>T]GTGTCCATCAGCAGCAGCCCCGGGTGGTTCCGCACAGCTCGAGCAAAGCCCTCAGGCCCC-3'
Protein context (NP_001035806.1, residues 558-578): RNHPGLLLMD[Thr568=]TFRDAHQSLL

ClinVar aggregate classification (germline): Likely benign. Review status: criteria provided, multiple submitters, no conflicts (2 of 4 stars). 4 submissions from 4 submitters: Likely benign (3). 1 of the submissions does not count toward it. Last evaluated 2026-09-01.

Conditions:
Pyruvate carboxylase deficiency. Also called: ATAXIA WITH LACTIC ACIDOSIS II; LEIGH NECROTIZING ENCEPHALOPATHY DUE TO PYRUVATE CARBOXYLASE DEFICIENCY; LEIGH SYNDROME DUE TO PYRUVATE CARBOXYLASE DEFICIENCY; PC DEFICIENCY; Pyruvate Carboxylase Deficiency Disease. Identifiers: Orphanet 3008, MedGen C0034341, MONDO:0009949, OMIM 266150.
PC-related disorder. Also called: PC-related condition.

Allele frequency attached by ClinVar (database versions not stated): ExAC 0.00001; gnomAD exomes 0.00002; TOPMed 0.00002; gnomAD 0.00003 and 0.00004.
gnomAD v4.1: 31 of 1,613,900 alleles (0.0019%); highest among the groups gnomAD compares: Admixed American, 0.005%; no homozygotes.

Submissions (4):

CeGaT Center for Human Genetics Tuebingen
Classification: Likely benign. Last evaluated: 2026-09-01. Review status: criteria provided, single submitter. Criteria: CeGaT Center For Human Genetics Tuebingen Variant Classification Criteria Version 2. Collection method: clinical testing. Allele origin: germline. Affected: yes. Observed: 1 variant allele.
Comment: PC: BP4, BP7

Labcorp Genetics (formerly Invitae), Labcorp
Classification: Likely benign for Pyruvate carboxylase deficiency. Last evaluated: 2025-09-05. Review status: criteria provided, single submitter. Criteria: Invitae Variant Classification Sherloc (09022015). Collection method: clinical testing. Allele origin: germline.

Breakthrough Genomics
Classification: Likely benign. Review status: criteria provided, single submitter. Criteria: ACMG Guidelines, 2015. Collection method: not provided. Allele origin: germline. Inheritance: Autosomal recessive inheritance. Affected: yes.

PreventionGenetics, part of Exact Sciences
Classification: Likely benign for PC-related condition. Last evaluated: 2019-08-09. Review status: no assertion criteria provided. Collection method: clinical testing. Allele origin: germline. Not counted in ClinVar's aggregate classification.
Comment: This variant is classified as likely benign based on ACMG/AMP sequence variant interpretation guidelines (Richards et al. 2015 PMID: 25741868, with internal and published modifications).